The following is an entry in ClinVar:

ClinVar aggregate classification (germline): Conflicting classifications of pathogenicity. Review status: criteria provided, conflicting classifications (1 of 4 stars). 5 submissions from 4 submitters: Uncertain significance (4); Likely benign (1). Last evaluated 2025-08-04.

Conditions:
Aortic valve disease 1 (AOVD1). Identifiers: MedGen C3887892, MONDO:0024523, OMIM 109730.
Adams-Oliver syndrome 5 (AOS5). Identifiers: Orphanet 974, MedGen C4014970, MONDO:0014459, OMIM 616028.
Familial thoracic aortic aneurysm and aortic dissection (TAAD). Also called: Thoracic aortic aneurysms and dissections. Identifiers: Orphanet 91387, MedGen C4707243, MONDO:0019625.

Allele frequency attached by ClinVar (database versions not stated): gnomAD 0.00001; ExAC 0.00007; gnomAD exomes 0.00010.
gnomAD v4.1: 29 of 1,613,232 alleles (0.0018%); highest among the groups gnomAD compares: Admixed American, 0.048%; no homozygotes.

Submissions (5):

Labcorp Genetics (formerly Invitae), Labcorp
Classification: Likely benign for Adams-Oliver syndrome 5. Last evaluated: 2025-08-04. Review status: criteria provided, single submitter. Criteria: Invitae Variant Classification Sherloc (09022015). Collection method: clinical testing. Allele origin: germline.

Ambry Genetics
Classification: Uncertain significance for Familial thoracic aortic aneurysm and aortic dissection. Last evaluated: 2024-12-29. Review status: criteria provided, single submitter. Criteria: Ambry Variant Classification Scheme 2023. Collection method: clinical testing. Allele origin: germline.
Comment: The p.L1805F variant (also known as c.5413C>T), located in coding exon 29 of the NOTCH1 gene, results from a C to T substitution at nucleotide position 5413. The leucine at codon 1805 is replaced by phenylalanine, an amino acid with highly similar properties. This amino acid position is conserved. In addition, this alteration is predicted to be tolerated by in silico analysis. Based on the available evidence, the clinical significance of this variant remains unclear.

Genome-Nilou Lab
Classification: Uncertain significance for Adams-Oliver syndrome 5. Last evaluated: 2022-03-15. Review status: criteria provided, single submitter. Criteria: ACMG Guidelines, 2015. Collection method: clinical testing. Allele origin: germline. Affected: no.

Genome-Nilou Lab
Classification: Uncertain significance for Aortic valve disease 1. Last evaluated: 2022-03-15. Review status: criteria provided, single submitter. Criteria: ACMG Guidelines, 2015. Collection method: clinical testing. Allele origin: germline. Affected: no.

GeneDx
Classification: Uncertain significance. Last evaluated: 2019-11-04. Review status: criteria provided, single submitter. Criteria: GeneDx Variant Classification Process June 2021. Collection method: clinical testing. Allele origin: germline. Affected: yes.
Comment: Has not been previously published as pathogenic or benign to our knowledge; In silico analysis, which includes protein predictors and evolutionary conservation, supports a deleterious effect

NM_017617.5(NOTCH1):c.5413C>T (p.Leu1805Phe)

Gene: NOTCH1 (notch receptor 1; minus strand). Cytogenetic location: 9q34.3.
Variant type: single nucleotide variant.
Coding change: c.5413C>T on transcript NM_017617.5 (MANE Select); coding-DNA position 5413, C replaced by T.
Protein change: p.Leu1805Phe; replaces leucine 1805 with phenylalanine.
Molecular consequence: missense variant.
Genome position (GRCh38, 1-based): chr9:136,502,060, G>A on the plus strand (C>T on the coding strand, the complement: NOTCH1 is on the minus strand). VCF-style: chr9-136502060-G-A. GRCh37 (hg19) VCF-style: chr9-139396512-G-A.
Other names: short protein forms L1805F.
Identifiers: ClinVar variation 1056126 (VCV001056126.13), dbSNP rs775497405, ClinGen allele CA5340280.